The following is an entry in ClinVar:

NM_018965.4(TREM2):c.622C>G (p.Pro208Ala)

Gene: TREM2 (triggering receptor expressed on myeloid cells 2; minus strand). Cytogenetic location: 6p21.1.
Variant type: single nucleotide variant.
Coding change: c.622C>G on transcript NM_018965.4 (MANE Select); coding-DNA position 622, C replaced by G.
Protein change: p.Pro208Ala; replaces proline 208 with alanine.
Molecular consequence: missense variant. On other transcripts: intron variant (1).
Genome position (GRCh38, 1-based): chr6:41,158,927, G>C on the plus strand (C>G on the coding strand, the complement: TREM2 is on the minus strand). VCF-style: chr6-41158927-G-C. GRCh37 (hg19) VCF-style: chr6-41126665-G-C.
Other names: c.483-147C>G (NM_001271821.2); short protein forms P208A.
Identifiers: ClinVar variation 1389558 (VCV001389558.6), dbSNP rs1765487522, ClinGen allele CA364057418.

ClinVar aggregate classification (germline): Uncertain significance (1 of 4 stars; one submission).

gnomAD v4.1: 1 of 1,614,252 alleles (0.000062%); no homozygotes.

Submission:

Labcorp Genetics (formerly Invitae), Labcorp
Classification: Uncertain significance. Last evaluated: 2021-10-27. Review status: criteria provided, single submitter. Criteria: Invitae Variant Classification Sherloc (09022015). Collection method: clinical testing. Allele origin: germline.
Comment: In summary, the available evidence is currently insufficient to determine the role of this variant in disease. Therefore, it has been classified as a Variant of Uncertain Significance. Algorithms developed to predict the effect of missense changes on protein structure and function output the following: SIFT: "Tolerated"; PolyPhen-2: "Benign"; Align-GVGD: "Class C0". The alanine amino acid residue is found in multiple mammalian species, which suggests that this missense change does not adversely affect protein function. This variant has not been reported in the literature in individuals affected with TREM2-related conditions. This variant is not present in population databases (gnomAD no frequency). This sequence change replaces proline, a(n) neutral and non-polar amino acid, with alanine, a(n) neutral and non-polar amino acid, at codon 208 of the TREM2 protein (p.Pro208Ala).